The following is an entry in ClinVar:

NM_000090.4(COL3A1):c.2771G>A (p.Gly924Asp)

Gene: COL3A1 (collagen type III alpha 1 chain; plus strand). Cytogenetic location: 2q32.2.
Variant type: single nucleotide variant.
Coding change: c.2771G>A on transcript NM_000090.4 (MANE Select); coding-DNA position 2771, G replaced by A.
Protein change: p.Gly924Asp; replaces glycine 924 with aspartic acid.
Molecular consequence: missense variant.
Genome position (GRCh38, 1-based): chr2:189,004,091, G>A. VCF-style: chr2-189004091-G-A. GRCh37 (hg19) VCF-style: chr2-189868817-G-A.
Identifiers: ClinVar variation 101139 (VCV000101139.4), dbSNP rs587779450, ClinGen allele CA005666.
Genomic context (GRCh38, chr2:189,004,091, plus strand): 5'-CCCCAGGTCCTGCGGGTAACACTGGTGCTCCTGGCAGCCCTGGAGTGTCTGGACCAAAAG[G>A]TGATGCTGGCCAACCAGGAGAGAAGGGATCGCCTGGTGCCCAGGGCCCACCAGTAAGTAA-3'
Protein context (NP_000081.2, residues 914-934): PGSPGVSGPK[Gly924Asp]DAGQPGEKGS

ClinVar aggregate classification (germline): Likely pathogenic. Review status: criteria provided, single submitter (1 of 4 stars). 2 submissions from 2 submitters: Likely pathogenic (1). 1 of the submissions does not count toward it. Last evaluated 2018-09-17.

Conditions:
Ehlers-Danlos syndrome, type 4 (EDSVASC). Also called: Ehlers-Danlos syndrome vascular type; Ehlers Danlos syndrome, ecchymotic type; Ehlers Danlos syndrome, arterial type; Ehlers Danlos syndrome, Sack-Barabas type; Ehlers-Danlos Syndrome Type IV. Identifiers: Orphanet 286, MedGen C0268338, MONDO:0017314, OMIM 130050.
Familial thoracic aortic aneurysm and aortic dissection (TAAD). Also called: Thoracic aortic aneurysms and dissections. Identifiers: Orphanet 91387, MedGen C4707243, MONDO:0019625.

Submissions (2):

Ambry Genetics
Classification: Likely pathogenic for Familial thoracic aortic aneurysm and aortic dissection. Last evaluated: 2018-09-17. Review status: criteria provided, single submitter. Criteria: Ambry Variant Classification Scheme 2023. Collection method: clinical testing. Allele origin: germline.
Comment: The p.G924D variant (also known as c.2771G>A), located in coding exon 39 of the COL3A1 gene, results from a G to A substitution at nucleotide position 2771. The glycine at codon 924 is replaced by aspartic acid, an amino acid with similar properties. The majority (approximately two-thirds) of COL3A1 mutations identified to date have involved the substitution of another amino acid for glycine within the triple-helical domain (Pepin MG et al. Genet Med. 2014;16(12):881-8; Frank M et al. Eur J Hum Genet. 2015;23(12):1657-64). This particular variant has been reported in a vascular Ehlers-Danlos syndrome (EDS) cohort, and has been detected in a patient with features consistent with vascular EDS (Pepin MG et al. Genet Med. 2014;16:881-8; Weerakkody RA et al. Genet Med. 2016; 11;18:1119-1127). Internal structural analysis indicates that this alteration disrupts the characteristic G-X-Y motif in the COL3A1 protein and inserts a bulky side chain into a sterically-constrained region (Bella J et al. Science. 1994;266:75-81; Hohenester E et al. Proc. Natl. Acad. Sci. U.S.A. 2008;105:18273-7; Ambry internal data). In addition, other alterations in the same codon (G924S (c.2770G>A), G924V (c.2771G>T), and G924C (c.2770G>T)) have also been detected in vascular EDS cohorts (Pepin MG et al. Genet. Med., 2014;16:881-8). This amino acid position is highly conserved in available vertebrate species. In addition, this alteration is predicted to be deleterious by in silico analysis. Based on the majority of available evidence to date, this variant is likely to be pathogenic.

Collagen Diagnostic Laboratory, University of Washington
Classification: Pathogenic for Ehlers-Danlos syndrome, type 4. Review status: no assertion criteria provided. Collection method: clinical testing. Allele origin: germline. Affected: yes. Not counted in ClinVar's aggregate classification.

Literature cited by the submitters: PubMed 24922459 (cited by Ambry Genetics); PubMed 27011056 (cited by Ambry Genetics).